The following is an entry in ClinVar:

NM_004387.4(NKX2-5):c.382G>A (p.Asp128Asn)

Gene: NKX2-5 (NK2 homeobox 5; minus strand). Cytogenetic location: 5q35.1.
Variant type: single nucleotide variant.
Coding change: c.382G>A on transcript NM_004387.4 (MANE Select); coding-DNA position 382, G replaced by A.
Protein change: p.Asp128Asn; replaces aspartic acid 128 with asparagine.
Molecular consequence: missense variant. On other transcripts: 3 prime UTR variant (2).
Genome position (GRCh38, 1-based): chr5:173,233,162, C>T on the plus strand (G>A on the coding strand, the complement: NKX2-5 is on the minus strand). VCF-style: chr5-173233162-C-T. GRCh37 (hg19) VCF-style: chr5-172660165-C-T.
Other names: c.*335G>A (NM_001166175.2); c.*181G>A (NM_001166176.2); short protein forms D128N.
Identifiers: ClinVar variation 2452058 (VCV002452058.2), dbSNP rs779663474, ClinGen allele CA3563712.
Genomic context (GRCh38, chr5:173,233,162, plus strand): 5'-CCTGCGAGAAGAGCACGCGCGGCTTCCTCCGCCGTCGCGCCCGGGGCCGCTCCGCGTTGT[C>T]CGCCTCTGTCTTCTCCAGCTCCACCGCCTTCTGCAGCGCGCACAGCTCTGAGGGGGAACA-3'
Protein context (NP_004378.1, residues 118-138): KAVELEKTEA[Asp128Asn]NAERPRARRR

ClinVar aggregate classification (germline): Uncertain significance (1 of 4 stars; one submission).

Conditions:
Cardiovascular phenotype. Identifiers: MedGen CN230736.

Allele frequency attached by ClinVar (database versions not stated): gnomAD 0.00001.
gnomAD v4.1: 6 of 1,603,028 alleles (0.00037%); highest among the groups gnomAD compares: South Asian, 0.0033%; no homozygotes.

Submission:

Ambry Genetics
Classification: Uncertain significance for Cardiovascular phenotype. Last evaluated: 2022-11-23. Review status: criteria provided, single submitter. Criteria: Ambry Variant Classification Scheme 2023. Collection method: clinical testing. Allele origin: germline.
Comment: The p.D128N variant (also known as c.382G>A), located in coding exon 2 of the NKX2-5 gene, results from a G to A substitution at nucleotide position 382. The aspartic acid at codon 128 is replaced by asparagine, an amino acid with highly similar properties. This amino acid position is not well conserved in available vertebrate species. In addition, this alteration is predicted to be tolerated by in silico analysis. Since supporting evidence is limited at this time, the clinical significance of this alteration remains unclear.